The following is an entry in ClinVar:

NM_001048174.2(MUTYH):c.734C>G (p.Ala245Gly)

Gene: MUTYH (mutY DNA glycosylase; minus strand). Cytogenetic location: 1p34.1.
Variant type: single nucleotide variant.
Coding change: c.734C>G on transcript NM_001048174.2 (MANE Select); coding-DNA position 734, C replaced by G.
Protein change: p.Ala245Gly; replaces alanine 245 with glycine.
Molecular consequence: missense variant. On other transcripts: non-coding transcript variant (7).
Genome position (GRCh38, 1-based): chr1:45,332,281, G>C on the plus strand (C>G on the coding strand, the complement: MUTYH is on the minus strand). VCF-style: chr1-45332281-G-C. GRCh37 (hg19) VCF-style: chr1-45797953-G-C.
Other names: c.734C>G, p.Ala245Gly (NM_001048171.2, NM_001048173.2, NM_001293195.2 and 6 more transcripts); c.737C>G, p.Ala246Gly (NM_001048172.2, NM_001407086.1, NM_001407071.1 and 1 more transcripts); c.818C>G, p.Ala273Gly (NM_001128425.2); c.779C>G, p.Ala260Gly (NM_001293190.2); c.767C>G, p.Ala256Gly (NM_001293191.2, NM_001407069.1, NM_001407077.1); c.458C>G, p.Ala153Gly (NM_001293192.2, NM_001293196.2, NM_001407091.1); c.389C>G, p.Ala130Gly (NM_001350650.2, NM_001350651.2, NM_001407082.1); c.776C>G, p.Ala259Gly (NM_001407083.1, NM_001407085.1); and 5 more; short protein forms A153G, A252G, A256G, A231G, A273G, A130G, A246G, A259G.
Identifiers: ClinVar variation 4113856 (VCV004113856.1).

ClinVar aggregate classification (germline): Uncertain significance (1 of 4 stars; one submission).

Conditions:
Hereditary cancer-predisposing syndrome. Also called: Hereditary neoplastic syndrome; Neoplastic Syndromes, Hereditary; Tumor predisposition; Hereditary Cancer Syndrome. Identifiers: Orphanet 140162, MedGen C0027672, MeSH D009386, MONDO:0015356.

Submission:

Ambry Genetics
Classification: Uncertain significance for Hereditary cancer-predisposing syndrome. Last evaluated: 2025-08-27. Review status: criteria provided, single submitter. Criteria: Ambry Variant Classification Scheme 2023. Collection method: clinical testing. Allele origin: germline.
Comment: The p.A273G variant (also known as c.818C>G), located in coding exon 10 of the MUTYH gene, results from a C to G substitution at nucleotide position 818. The alanine at codon 273 is replaced by glycine, an amino acid with similar properties. This amino acid position is conserved. In addition, this alteration is predicted to be tolerated by in silico analysis. Based on the available evidence, the clinical significance of this variant remains unclear.